The following is an entry in ClinVar:

ClinVar aggregate classification (germline): Pathogenic. Review status: criteria provided, multiple submitters, no conflicts (2 of 4 stars). 2 submissions from 2 submitters: Pathogenic (2). Last evaluated 2021-08-03.

Conditions:
Familial thoracic aortic aneurysm and aortic dissection (TAAD). Also called: Thoracic aortic aneurysms and dissections. Identifiers: Orphanet 91387, MedGen C4707243, MONDO:0019625.
Marfan syndrome (MFS). Also called: FBN1-Related Marfan Syndrome; Marfan's syndrome; MARFAN SYNDROME, TYPE I; Marfan syndrome type 1; Marfan syndrome, classic. Identifiers: Orphanet 284963, Orphanet 558, MedGen C0024796, MONDO:0007947, OMIM 154700.

Submissions (2):

Ambry Genetics
Classification: Pathogenic for Familial thoracic aortic aneurysm and aortic dissection. Last evaluated: 2021-08-03. Review status: criteria provided, single submitter. Criteria: Ambry Variant Classification Scheme 2023. Collection method: clinical testing. Allele origin: germline.
Comment: The p.Q357* pathogenic mutation (also known as c.1069C>T), located in coding exon 9 of the FBN1 gene, results from a C to T substitution at nucleotide position 1069. This changes the amino acid from a glutamine to a stop codon within coding exon 9. This alteration has been reported in a Marfan syndrome cohort (Franken R et al. Eur Heart J, 2016 Nov;37:3285-3290). This alteration is expected to result in loss of function by premature protein truncation or nonsense-mediated mRNA decay. As such, this alteration is interpreted as a disease-causing mutation.

Labcorp Genetics (formerly Invitae), Labcorp
Classification: Pathogenic for Marfan syndrome; Familial thoracic aortic aneurysm and aortic dissection. Last evaluated: 2019-01-20. Review status: criteria provided, single submitter. Criteria: Invitae Variant Classification Sherloc (09022015). Collection method: clinical testing. Allele origin: germline.
Comment: For these reasons, this variant has been classified as Pathogenic. Loss-of-function variants in FBN1 are known to be pathogenic (PMID: 17657824, 19293843). This variant has been observed in an individual affected with Marfan syndrome (PMID: 26787436). This variant is not present in population databases (ExAC no frequency). This sequence change creates a premature translational stop signal (p.Gln357*) in the FBN1 gene. It is expected to result in an absent or disrupted protein product.

Literature cited by the submitters: PubMed 26787436 (cited by Ambry Genetics and Labcorp Genetics (formerly Invitae), Labcorp); PubMed 17657824 (cited by Labcorp Genetics (formerly Invitae), Labcorp); PubMed 19293843 (cited by Labcorp Genetics (formerly Invitae), Labcorp).

NM_000138.5(FBN1):c.1069C>T (p.Gln357Ter)

Genes: FBN1 (fibrillin 1; minus strand), LOC113939944 (Sharpr-MPRA regulatory region 9539; plus strand). Cytogenetic location: 15q21.1.
Variant type: single nucleotide variant.
Coding change: c.1069C>T on transcript NM_000138.5 (MANE Select); coding-DNA position 1069, C replaced by T.
Protein change: p.Gln357Ter; replaces glutamine 357 with a stop codon.
Molecular consequence: nonsense.
Genome position (GRCh38, 1-based): chr15:48,520,737, G>A on the plus strand (C>T on the coding strand, the complement: FBN1 is on the minus strand). VCF-style: chr15-48520737-G-A. GRCh37 (hg19) VCF-style: chr15-48812934-G-A.
Other names: short protein forms Q357*.
Identifiers: ClinVar variation 834308 (VCV000834308.11), dbSNP rs2043846274, ClinGen allele CA392347606.